The following is an entry in ClinVar:

NM_005222.4(DLX6):c.706G>A (p.Asp236Asn)

Genes: DLX6 (distal-less homeobox 6; plus strand), DLX6-AS1 (DLX6 antisense RNA 1; minus strand). Cytogenetic location: 7q21.3.
Variant type: single nucleotide variant.
Coding change: c.706G>A on transcript NM_005222.4 (MANE Select); coding-DNA position 706, G replaced by A.
Protein change: p.Asp236Asn; replaces aspartic acid 236 with asparagine.
Molecular consequence: missense variant.
Genome position (GRCh38, 1-based): chr7:97,009,871, G>A. VCF-style: chr7-97009871-G-A. GRCh37 (hg19) VCF-style: chr7-96639183-G-A.
Other names: short protein forms D236N.
Identifiers: ClinVar variation 2898853 (VCV002898853.3), dbSNP rs778865296, ClinGen allele CA4353834.
Genomic context (GRCh38, chr7:97,009,871, plus strand): 5'-CAGAACAAACGCTCTAAGTTTAAGAAACTGCTGAAGCAGGGCAGTAATCCTCATGAGAGC[G>A]ACCCCCTCCAGGGCTCGGCGGCCCTGTCGCCACGCTCGCCAGCGCTGCCTCCAGTCTGGG-3'
Protein context (NP_005213.3, residues 226-246): LKQGSNPHES[Asp236Asn]PLQGSAALSP

ClinVar aggregate classification (germline): Uncertain significance (1 of 4 stars; one submission).

Submission:

Labcorp Genetics (formerly Invitae), Labcorp
Classification: Uncertain significance. Last evaluated: 2023-07-17. Review status: criteria provided, single submitter. Criteria: Invitae Variant Classification Sherloc (09022015). Collection method: clinical testing. Allele origin: germline.
Comment: In summary, the available evidence is currently insufficient to determine the role of this variant in disease. Therefore, it has been classified as a Variant of Uncertain Significance. An algorithm developed to predict the effect of missense changes on protein structure and function (PolyPhen-2) suggests that this variant is likely to be tolerated. This variant has not been reported in the literature in individuals affected with DLX6-related conditions. This variant is present in population databases (rs778865296, gnomAD 0.04%). This sequence change replaces aspartic acid, which is acidic and polar, with asparagine, which is neutral and polar, at codon 236 of the DLX6 protein (p.Asp236Asn).